The following is an entry in ClinVar:

ClinVar aggregate classification (germline): Likely pathogenic (1 of 4 stars; one submission).

Conditions:
Nonsyndromic genetic hearing loss. Also called: Nonsyndromic hearing loss and deafness; Non-syndromic genetic deafness; Nonsyndromic genetic deafness. Identifiers: Orphanet 87884, MedGen C5680182, MONDO:0019497.

Submission:

Women's Health and Genetics/Laboratory Corporation of America, LabCorp
Classification: Likely pathogenic for Nonsyndromic genetic hearing loss. Last evaluated: 2023-03-24. Review status: criteria provided, single submitter. Criteria: LabCorp Variant Classification Summary - May 2015. Collection method: clinical testing. Allele origin: germline.
Comment: Variant summary: The variant identified by MLPA or other technology involves the deletion of exon 32 in the LOXHD1 gene. A presumed nomenclature of c.(4876+1_4877-1)_(5085+1_5086-1)del has been designated for the purposes of this classification. It is expected to result in a frameshift in the LOXHD1 gene, a known mechanism of disease. The variant was absent in 21694 control chromosomes in gnomAD database (structural variants data set). To our knowledge, no occurrence of c.(4876+1_4877-1)_(5085+1_5086-1)del in individuals affected with Nonsyndromic Hearing Loss And Deafness, Type 77 and no experimental evidence demonstrating its impact on protein function have been reported. No clinical diagnostic laboratories have submitted clinical-significance assessments for this variant to ClinVar after 2014. Based on the evidence outlined above, the variant was classified as likely pathogenic.

NC_000018.9:g.(44098220_44102063)_(44102273_44104428)del

Gene: LOXHD1 (lipoxygenase homology PLAT domains 1; minus strand). Cytogenetic location: 18q21.1.
Variant type: Deletion.
Identifiers: ClinVar variation 2501287 (VCV002501287.1).